The following is an entry in ClinVar:

ClinVar aggregate classification (germline): Likely benign (0 of 4 stars; one submission).

Conditions:
KDM5B-related disorder. Also called: KDM5B-related condition.

Submission:

PreventionGenetics, part of Exact Sciences
Classification: Likely benign for KDM5B-related condition. Last evaluated: 2020-02-11. Review status: no assertion criteria provided. Collection method: clinical testing. Allele origin: germline.
Comment: This variant is classified as likely benign based on ACMG/AMP sequence variant interpretation guidelines (Richards et al. 2015 PMID: 25741868, with internal and published modifications).

NM_006618.5(KDM5B):c.2590-3dup

Gene: KDM5B (lysine demethylase 5B; minus strand). Cytogenetic location: 1q32.1.
Variant type: Duplication.
Coding change: c.2590-3dup on transcript NM_006618.5 (MANE Select); 3 bases into the intron before coding-DNA position 2590, one base duplicated (T; older notation c.2590-3dupT).
Molecular consequence: intron variant.
Genome position (GRCh38, 1-based): chr1:202,741,725, A duplicated on the plus strand (T on the coding strand, the reverse complement: KDM5B is on the minus strand); the first of 9 consecutive A bases (chr1:202,741,725-202,741,733); duplicating any one gives the same sequence. VCF-style (leftmost placement, unchanged base first): chr1-202741724-T-TA. GRCh37 (hg19) VCF-style: chr1-202710852-T-TA.
Other names: c.2575-3dup (NM_001399817.1); c.2455-3dup (NM_001347591.2); c.2698-3dup (NM_001314042.2).
Identifiers: ClinVar variation 3045324 (VCV003045324.2), dbSNP rs749972784, ClinGen allele CA1334375.